The following is an entry in ClinVar:

NM_017777.4(MKS1):c.1613G>A (p.Arg538His)

Gene: MKS1 (MKS transition zone complex subunit 1; minus strand). Cytogenetic location: 17q22.
Variant type: single nucleotide variant.
Coding change: c.1613G>A on transcript NM_017777.4 (MANE Select); coding-DNA position 1613, G replaced by A.
Protein change: p.Arg538His; replaces arginine 538 with histidine.
Molecular consequence: missense variant. On other transcripts: synonymous variant (1), 3 prime UTR variant (1).
Genome position (GRCh38, 1-based): chr17:58,206,146, C>T on the plus strand (G>A on the coding strand, the complement: MKS1 is on the minus strand). VCF-style: chr17-58206146-C-T. GRCh37 (hg19) VCF-style: chr17-56283507-C-T.
Other names: c.1004G>A, p.Arg335His (NM_001321268.2); c.1530G>A, p.Pro510= (NM_001321269.2); c.*25G>A (NM_001330397.2); short protein forms R538H, R335H.
Identifiers: ClinVar variation 936361 (VCV000936361.12), dbSNP rs557678962, ClinGen allele CA8669057.

ClinVar aggregate classification (germline): Uncertain significance. Review status: criteria provided, multiple submitters, no conflicts (2 of 4 stars). 6 submissions from 6 submitters: Uncertain significance (4). 2 of the submissions do not count toward it. Last evaluated 2026-01-09.

Conditions:
Joubert syndrome. Also called: Familial aplasia of the vermis; JOUBERT-BOLTSHAUSER SYNDROME. Identifiers: Orphanet 475, MedGen C5979921, MONDO:0018772.
Meckel-Gruber syndrome. Also called: Dysencephalia splachnocystica; DYSENCEPHALIA SPLANCHNOCYSTICA; GRUBER SYNDROME. Identifiers: Orphanet 564, MedGen C0265215, MONDO:0018921.
Meckel syndrome, type 1 (MKS1). Also called: MECKEL-GRUBER SYNDROME, TYPE 1. Identifiers: Orphanet 564, MedGen C3714506, MONDO:0009571, OMIM 249000.
MKS1-related disorder. Also called: MKS1-related condition; MKS1-related disorders. Identifiers: MedGen CN239382.
Joubert syndrome 28 (JBTS28). Identifiers: MedGen C4310705, MONDO:0014928, OMIM 617121.
Bardet-Biedl syndrome 13 (BBS13). Identifiers: Orphanet 110, MedGen C2673873, MONDO:0014441, OMIM 615990.
Inborn genetic diseases. Identifiers: MedGen C0950123, MeSH D030342.

Allele frequency attached by ClinVar (database versions not stated): TOPMed 0.00005; gnomAD 0.00002 and 0.00005; 1000 Genomes Project 30x 0.00016; 1000 Genomes Project 0.00020.
gnomAD v4.1: 124 of 1,613,478 alleles (0.0077%); highest among the groups gnomAD compares: South Asian, 0.054%; 2 homozygotes.

Submissions (6):

Labcorp Genetics (formerly Invitae), Labcorp
Classification: Uncertain significance for Joubert syndrome; Meckel-Gruber syndrome. Last evaluated: 2026-01-09. Review status: criteria provided, single submitter. Criteria: Invitae Variant Classification Sherloc (09022015). Collection method: clinical testing. Allele origin: germline.
Comment: This sequence change replaces arginine, which is basic and polar, with histidine, which is basic and polar, at codon 538 of the MKS1 protein (p.Arg538His). This variant is present in population databases (rs557678962, gnomAD 0.05%), including at least one homozygous and/or hemizygous individual. This variant has not been reported in the literature in individuals affected with MKS1-related conditions. ClinVar contains an entry for this variant (Variation ID: 936361). Invitae Evidence Modeling of protein sequence and biophysical properties (such as structural, functional, and spatial information, amino acid conservation, physicochemical variation, residue mobility, and thermodynamic stability) indicates that this missense variant is not expected to disrupt MKS1 protein function with a negative predictive value of 80%. In summary, the available evidence is currently insufficient to determine the role of this variant in disease. Therefore, it has been classified as a Variant of Uncertain Significance.

Ambry Genetics
Classification: Uncertain significance for Inborn genetic diseases. Last evaluated: 2023-08-14. Review status: criteria provided, single submitter. Criteria: Ambry Variant Classification Scheme 2023. Collection method: clinical testing. Allele origin: germline.

New York Genome Center
Classification: Uncertain significance for Bardet-Biedl syndrome 13; Joubert syndrome 28; Meckel syndrome, type 1. Last evaluated: 2022-05-06. Review status: criteria provided, single submitter. Criteria: NYGC Assertion Criteria 2020. Collection method: clinical testing. Allele origin: germline. Observed: 1 variant allele.

GeneDx
Classification: Uncertain significance. Last evaluated: 2020-03-09. Review status: criteria provided, single submitter. Criteria: GeneDx Variant Classification Process June 2021. Collection method: clinical testing. Allele origin: germline. Affected: yes.
Comment: In silico analysis supports that this missense variant has a deleterious effect on protein structure/function; Has not been previously published as pathogenic or benign to our knowledge

PreventionGenetics, part of Exact Sciences
Classification: Uncertain significance for MKS1-related condition. Last evaluated: 2024-07-04. Review status: no assertion criteria provided. Collection method: clinical testing. Allele origin: germline. Not counted in ClinVar's aggregate classification.
Comment: The MKS1 c.1613G>A variant is predicted to result in the amino acid substitution p.Arg538His. To our knowledge, this variant has not been reported in the literature. This variant is reported in 0.049% of alleles in individuals of South Asian descent in gnomAD, including one homozygote. At this time, the clinical significance of this variant is uncertain due to the absence of conclusive functional and genetic evidence.

Natera, Inc.
Classification: Uncertain significance for Meckel syndrome type 1. Last evaluated: 2020-01-03. Review status: no assertion criteria provided. Collection method: clinical testing. Allele origin: germline. Not counted in ClinVar's aggregate classification.